The following is an entry in ClinVar:

ClinVar aggregate classification (germline): Pathogenic/Likely pathogenic. Review status: criteria provided, multiple submitters, no conflicts (2 of 4 stars). 3 submissions from 3 submitters: Pathogenic (2); Likely pathogenic (1). Last evaluated 2025-07-22.

Conditions:
Nemaline myopathy. Also called: Myopathies, Nemaline. Identifiers: Orphanet 607, MedGen C0206157, MONDO:0018958.
Arthrogryposis multiplex congenita 6. Identifiers: MedGen C5543431, MONDO:0030281, OMIM 619334.
Nemaline myopathy 2 (NEM2). Also called: Nemaline myopathy 2, autosomal recessive. Identifiers: MedGen C1850569, MONDO:0009725, OMIM 256030.

Submissions (3):

Women's Health and Genetics/Laboratory Corporation of America, LabCorp
Classification: Pathogenic for Nemaline myopathy. Last evaluated: 2025-07-22. Review status: criteria provided, single submitter. Criteria: LabCorp Variant Classification Summary - May 2015. Collection method: clinical testing. Allele origin: germline.
Comment: Variant summary: NEB c.6824delG (p.Gly2275AspfsX6) results in a premature termination codon, predicted to cause a truncation of the encoded protein or absence of the protein due to nonsense mediated decay, which are commonly known mechanisms for disease. The variant was absent in 243550 control chromosomes. To our knowledge, no occurrence of c.6824delG in individuals affected with Nemaline Myopathy 2 and no experimental evidence demonstrating its impact on protein function have been reported. ClinVar contains an entry for this variant (Variation ID: 959465). Based on the evidence outlined above, the variant was classified as pathogenic.

Labcorp Genetics (formerly Invitae), Labcorp
Classification: Pathogenic for Nemaline myopathy 2. Last evaluated: 2023-04-16. Review status: criteria provided, single submitter. Criteria: Invitae Variant Classification Sherloc (09022015). Collection method: clinical testing. Allele origin: germline.
Comment: For these reasons, this variant has been classified as Pathogenic. ClinVar contains an entry for this variant (Variation ID: 959465). This variant has not been reported in the literature in individuals affected with NEB-related conditions. This variant is not present in population databases (gnomAD no frequency). This sequence change creates a premature translational stop signal (p.Gly2275Aspfs*6) in the NEB gene. It is expected to result in an absent or disrupted protein product. Loss-of-function variants in NEB are known to be pathogenic (PMID: 25205138).

Baylor Genetics
Classification: Likely pathogenic for Arthrogryposis multiplex congenita 6. Last evaluated: 2023-02-02. Review status: criteria provided, single submitter. Criteria: ACMG Guidelines, 2015. Collection method: clinical testing. Allele origin: unknown.

Literature cited by the submitters: PubMed 25205138 (cited by Labcorp Genetics (formerly Invitae), Labcorp).

NM_001164508.2(NEB):c.6824del (p.Gly2275fs)

Gene: NEB (nebulin; minus strand). Cytogenetic location: 2q23.3.
Variant type: Deletion.
Coding change: c.6824del on transcript NM_001164508.2 (MANE Select); coding-DNA position 6824, one base deleted (G; older notation c.6824delG).
Protein change: p.Gly2275fs; shifts the reading frame from glycine 2275.
Molecular consequence: frameshift variant.
Genome position (GRCh38, 1-based): chr2:151,654,083, C deleted on the plus strand (G on the coding strand, the reverse complement: NEB is on the minus strand); the first of 2 consecutive C bases (chr2:151,654,083-151,654,084); deleting either gives the same sequence. VCF-style (leftmost placement, unchanged base first): chr2-151654082-TC-T. GRCh37 (hg19) VCF-style: chr2-152510596-TC-T.
Other names: c.6824del, p.Gly2275fs (NM_001164507.2, NM_001271208.2, NM_004543.5); c.6824delG (NM_001271208.2); short protein forms G2275fs.
Identifiers: ClinVar variation 959465 (VCV000959465.9), dbSNP rs2099060040, ClinGen allele CA1139657259.